The following is an entry in ClinVar:

ClinVar aggregate classification (germline): Pathogenic/Likely pathogenic. Review status: criteria provided, multiple submitters, no conflicts (2 of 4 stars). 3 submissions from 3 submitters: Pathogenic (1); Likely pathogenic (2). Last evaluated 2025-08-18.

Conditions:
Familial isolated deficiency of vitamin E (AVED). Also called: Ataxia with isolated vitamin E deficiency; ATAXIA, FRIEDREICH-LIKE, WITH SELECTIVE VITAMIN E DEFICIENCY. Identifiers: Orphanet 96, MedGen C1848533, MONDO:0010188, OMIM 277460.

Allele frequency attached by ClinVar (database versions not stated): gnomAD exomes below 0.00001; gnomAD 0.00001.

Submissions (3):

Natera, Inc.
Classification: Likely pathogenic for Ataxia with isolated vitamin E deficiency. Last evaluated: 2025-08-18. Review status: criteria provided, single submitter. Criteria: Natera Variant Classification Schema (03/2026). Collection method: clinical testing. Allele origin: germline.
Comment: The c.84_91dup variant in TTPA is a frameshift variant predicted to shift the reading frame beginning at codon 31 and leads to a stop codon 43 codons downstream. This variant is expected to result in nonsense mediated decay, truncation, or a dysfunctional protein product. This variant is rare in the general population with a frequency below the threshold expected for the associated phenotype(s). Given the available evidence, this variant is classified as Likely Pathogenic.

Labcorp Genetics (formerly Invitae), Labcorp
Classification: Pathogenic. Last evaluated: 2024-01-25. Review status: criteria provided, single submitter. Criteria: Invitae Variant Classification Sherloc (09022015). Collection method: clinical testing. Allele origin: germline.
Comment: This sequence change creates a premature translational stop signal (p.Leu31Argfs*43) in the TTPA gene. It is expected to result in an absent or disrupted protein product. Loss-of-function variants in TTPA are known to be pathogenic (PMID: 9463307, 26068213). This variant is not present in population databases (gnomAD no frequency). This variant has not been reported in the literature in individuals affected with TTPA-related conditions. ClinVar contains an entry for this variant (Variation ID: 1073498). For these reasons, this variant has been classified as Pathogenic.

Baylor Genetics
Classification: Likely pathogenic for Familial isolated deficiency of vitamin E. Last evaluated: 2023-10-28. Review status: criteria provided, single submitter. Criteria: ACMG Guidelines, 2015. Collection method: clinical testing. Allele origin: unknown.

Literature cited by the submitters: PubMed 9463307 (cited by Labcorp Genetics (formerly Invitae), Labcorp); PubMed 26068213 (cited by Labcorp Genetics (formerly Invitae), Labcorp).

NM_000370.3(TTPA):c.84_91dup (p.Leu31fs)

Gene: TTPA (alpha tocopherol transfer protein; minus strand). Cytogenetic location: 8q12.3.
Variant type: Duplication.
Coding change: c.84_91dup on transcript NM_000370.3 (MANE Select); coding-DNA positions 84 to 91, 8 bases duplicated (GGCGGCGC; older notation c.84_91dupGGCGGCGC).
Protein change: p.Leu31fs; shifts the reading frame from leucine 31.
Molecular consequence: frameshift variant.
Genome position (GRCh38, 1-based): chr8:63,085,931-63,085,938, GCGCCGCC duplicated on the plus strand (GGCGGCGC on the coding strand, the reverse complement: TTPA is on the minus strand). VCF-style (leftmost placement, unchanged base first): chr8-63085930-A-AGCGCCGCC. GRCh37 (hg19) VCF-style: chr8-63998489-A-AGCGCCGCC.
Other names: short protein forms L31fs.
Identifiers: ClinVar variation 1073498 (VCV001073498.9), dbSNP rs1805745954, ClinGen allele CA1114585391.